The following is an entry in ClinVar:

NM_000179.3(MSH6):c.3111_3112delinsGA (p.Phe1037_Tyr1038delinsLeuAsn)

Gene: MSH6 (mutS homolog 6; plus strand). Cytogenetic location: 2p16.3.
Variant type: Indel.
Coding change: c.3111_3112delinsGA on transcript NM_000179.3 (MANE Select); coding-DNA positions 3111 to 3112, CT replaced by GA.
Protein change: p.Phe1037_Tyr1038delinsLeuAsn.
Molecular consequence: missense variant.
Genome position (GRCh38, 1-based): chr2:47,801,094-47,801,095, CT replaced by GA. VCF-style: chr2-47801094-CT-GA. GRCh37 (hg19) VCF-style: chr2-48028233-CT-GA.
Other names: c.2721_2722delinsGA, p.Phe907_Tyr908delinsLeuAsn (NM_001281492.2); c.2205_2206delinsGA, p.Phe735_Tyr736delinsLeuAsn (NM_001281493.2, NM_001281494.2); c.3111_3112delCTinsGA (NM_000179.2).
Identifiers: ClinVar variation 661044 (VCV000661044.7), dbSNP rs1572730191, ClinGen allele CA915943943.

ClinVar aggregate classification (germline): Uncertain significance (1 of 4 stars; one submission).

Conditions:
Hereditary nonpolyposis colorectal neoplasms. Identifiers: MedGen C0009405, MeSH D003123.

Submission:

Labcorp Genetics (formerly Invitae), Labcorp
Classification: Uncertain significance for Hereditary nonpolyposis colorectal neoplasms. Last evaluated: 2018-07-28. Review status: criteria provided, single submitter. Criteria: Invitae Variant Classification Sherloc (09022015). Collection method: clinical testing. Allele origin: germline.
Comment: Experimental studies and prediction algorithms are not available for this variant, and the functional significance of the disrupted amino acids is currently unknown. This variant, c.3111_3112delCTinsGA, is a complex sequence change that deletes 2 nucleotides and inserts 2 nucleotides in the coding sequence of the MSH6 gene, leading to the substitution of two amino acid residues in the MSH6 protein (p.Phe1037_Tyr1038delinsLeuAsn), but otherwise preserves the integrity of the reading frame. This variant is not present in population databases (ExAC no frequency). This variant has not been reported in the literature in individuals with MSH6-related disease. In summary, the available evidence is currently insufficient to determine the role of this variant in disease. Therefore, it has been classified as a Variant of Uncertain Significance.